The following is an entry in ClinVar:

NM_006852.6(TLK2):c.1287-6C>T

Gene: TLK2 (tousled like kinase 2; plus strand). Cytogenetic location: 17q23.2.
Variant type: single nucleotide variant.
Coding change: c.1287-6C>T on transcript NM_006852.6 (MANE Select); 6 bases into the intron before coding-DNA position 1287, C replaced by T.
Molecular consequence: intron variant.
Genome position (GRCh38, 1-based): chr17:62,580,105, C>T. VCF-style: chr17-62580105-C-T. GRCh37 (hg19) VCF-style: chr17-60657466-C-T.
Other names: c.1287-6C>T (NM_001375271.1, NM_001375270.1); c.840-6C>T (NM_001375273.1, NM_001330418.3); c.1191-6C>T (NM_001375272.1, NM_001284363.1); c.1002-6C>T (NM_001411074.1); c.1353-6C>T (NM_001284333.3); c.1329-6C>T (NM_001375269.1).
Identifiers: ClinVar variation 3338508 (VCV003338508.1).

ClinVar aggregate classification (germline): Uncertain significance (1 of 4 stars; one submission).

gnomAD v4.1: 1 of 1,610,176 alleles (0.000062%); no homozygotes.

Submission:

Greenwood Genetic Center Diagnostic Laboratories, Greenwood Genetic Center
Classification: Uncertain significance. Last evaluated: 2024-05-17. Review status: criteria provided, single submitter. Criteria: ACMG Guidelines, 2015. Collection method: clinical testing. Allele origin: germline. Affected: yes.
Comment: PM2, BP4